The following is an entry in ClinVar:

ClinVar aggregate classification (germline): Pathogenic. Review status: reviewed by expert panel (3 of 4 stars). 3 submissions from 3 submitters: Pathogenic (1). 2 of the submissions do not count toward it. Last evaluated 2016-10-18.

Conditions:
Breast-ovarian cancer, familial, susceptibility to, 2 (BROVCA2). Also called: BRCA2 Hereditary Breast and Ovarian Cancer. Identifiers: Orphanet 145, MedGen C2675520, MONDO:0012933, OMIM 612555. Disease mechanism: loss of function.
Hereditary breast ovarian cancer syndrome. Also called: BRCA1- and BRCA2-Associated Hereditary Breast and Ovarian Cancer; Hereditary breast and ovarian cancer; Breast and ovarian cancer; Hereditary breast and/or ovarian cancer syndrome; Hereditary breast and ovarian cancer syndrome; Hereditary breast and ovarian cancer syndrome (HBOC). Identifiers: Orphanet 145, MedGen C0677776, MeSH D061325, MONDO:0003582. Disease mechanism: loss of function.

Submissions (3):

Evidence-based Network for the Interpretation of Germline Mutant Alleles (ENIGMA)
Classification: Pathogenic for Breast-ovarian cancer, familial, susceptibility to, 2. Last evaluated: 2016-10-18. Review status: reviewed by expert panel. Criteria: ENIGMA BRCA1/2 Classification Criteria (2015). Collection method: curation. Allele origin: germline.
Comment: Variant allele predicted to encode a truncated non-functional protein.

Labcorp Genetics (formerly Invitae), Labcorp
Classification: Pathogenic for Hereditary breast ovarian cancer syndrome. Last evaluated: 2022-11-15. Review status: criteria provided, single submitter. Criteria: Invitae Variant Classification Sherloc (09022015). Collection method: clinical testing. Allele origin: germline. Not counted in ClinVar's aggregate classification.
Comment: This premature translational stop signal has been observed in individual(s) with breast cancer (PMID: 26757417). This sequence change creates a premature translational stop signal (p.Asn1600Metfs*17) in the BRCA2 gene. It is expected to result in an absent or disrupted protein product. Loss-of-function variants in BRCA2 are known to be pathogenic (PMID: 20104584). This variant is not present in population databases (gnomAD no frequency). For these reasons, this variant has been classified as Pathogenic. ClinVar contains an entry for this variant (Variation ID: 266833).

Consortium of Investigators of Modifiers of BRCA1/2 (CIMBA), c/o University of Cambridge
Classification: Pathogenic for Breast-ovarian cancer, familial, susceptibility to, 2. Last evaluated: 2015-10-02. Review status: criteria provided, single submitter. Criteria: CIMBA Mutation Classification guidelines May 2016. Collection method: clinical testing. Allele origin: germline. Not counted in ClinVar's aggregate classification.

Literature cited by the submitters: PubMed 26757417 (cited by Labcorp Genetics (formerly Invitae), Labcorp); PubMed 20104584 (cited by Labcorp Genetics (formerly Invitae), Labcorp).

NM_000059.4(BRCA2):c.4799del (p.Asn1600fs)

Gene: BRCA2 (BRCA2 DNA repair associated; plus strand). Cytogenetic location: 13q13.1.
Variant type: Deletion.
Coding change: c.4799del on transcript NM_000059.4 (MANE Select); coding-DNA position 4799, one base deleted (A; older notation c.4799delA).
Protein change: p.Asn1600fs; shifts the reading frame from asparagine 1600.
Molecular consequence: frameshift variant.
Genome position (GRCh38, 1-based): chr13:32,339,154, A deleted; the last of 2 consecutive A bases (chr13:32,339,153-32,339,154); deleting either gives the same sequence. VCF-style (leftmost placement, unchanged base first): chr13-32339152-TA-T. GRCh37 (hg19) VCF-style: chr13-32913289-TA-T.
Other names: 5026delA; short protein forms N1600fs.
Identifiers: ClinVar variation 266833 (VCV000266833.10), dbSNP rs886040550, ClinGen allele CA10589274.